The following is an entry in ClinVar:

NM_000219.6(KCNE1):c.205A>C (p.Lys69Gln)

Gene: KCNE1 (potassium voltage-gated channel subfamily E regulatory subunit 1; minus strand). Cytogenetic location: 21q22.12.
Variant type: single nucleotide variant.
Coding change: c.205A>C on transcript NM_000219.6 (MANE Select); coding-DNA position 205, A replaced by C.
Protein change: p.Lys69Gln; replaces lysine 69 with glutamine.
Molecular consequence: missense variant.
Genome position (GRCh38, 1-based): chr21:34,449,430, T>G on the plus strand (A>C on the coding strand, the complement: KCNE1 is on the minus strand). VCF-style: chr21-34449430-T-G. GRCh37 (hg19) VCF-style: chr21-35821728-T-G.
Other names: c.205A>C, p.Lys69Gln (NM_001127668.4, NM_001127669.4, NM_001127670.4 and 4 more transcripts); short protein forms K69Q.
Identifiers: ClinVar variation 3374326 (VCV003374326.2).
Genomic context (GRCh38, chr21:34,449,430, plus strand): 5'-CTTGCCAGGCATCGGACTCGATGTAGACGTTGAATGGGTCGTTCGAGTGCTCCAGCTTCT[T>G]GGAGCGGATGTAGCTCAGCATGATGCCCAGGGTGAAGAAGCCGAAGAATCCCAGTACCAT-3'
Protein context (NP_000210.2, residues 59-79): LGIMLSYIRS[Lys69Gln]KLEHSNDPFN

Conditions:
Long QT syndrome 5 (LQT5). Identifiers: Orphanet 101016, Orphanet 768, MedGen C1867904, MONDO:0013372, OMIM 613695.

Submission:

Roden Lab, Vanderbilt University Medical Center
No classification provided (evidence only). Condition: Long QT syndrome 5. Review status: no classification provided. Collection method: in vitro. Allele origin: not applicable. Functional consequence: Effect on ion channel function.
ClinVar note: "not provided" was previously submitted as the classification for the variant. However, the classification appeared to be based only on an observation of functional data so it was converted to no classification on 2025-07-30.